The following is an entry in ClinVar:

NM_176824.3(BBS7):c.1024A>G (p.Ile342Val)

Gene: BBS7 (Bardet-Biedl syndrome 7; minus strand). Cytogenetic location: 4q27.
Variant type: single nucleotide variant.
Coding change: c.1024A>G on transcript NM_176824.3 (MANE Select); coding-DNA position 1024, A replaced by G.
Protein change: p.Ile342Val; replaces isoleucine 342 with valine.
Molecular consequence: missense variant.
Genome position (GRCh38, 1-based): chr4:121,847,417, T>C on the plus strand (A>G on the coding strand, the complement: BBS7 is on the minus strand). VCF-style: chr4-121847417-T-C. GRCh37 (hg19) VCF-style: chr4-122768572-T-C.
Other names: c.1024A>G, p.Ile342Val (NM_018190.4); short protein forms I342V.
Identifiers: ClinVar variation 969792 (VCV000969792.6), dbSNP rs1726067128, ClinGen allele CA358063025.
Genomic context (GRCh38, chr4:121,847,417, plus strand): 5'-ACACTTCATGAGATTTTTAAAAAAGCAAATAAAAAACTCAAAGTTACCGTAAGGAAGAAA[T>C]TTTATTCTGCATCTCCTGATTAATTTTTAGTTCTTCTCCTGGTCCACTTTCCTTATGAAT-3'
Protein context (NP_789794.1, residues 332-352): LKINQEMQNK[Ile342Val]SSLRNELEHL

ClinVar aggregate classification (germline): Uncertain significance (1 of 4 stars; one submission).

Conditions:
Bardet-Biedl syndrome (BBS). Identifiers: Orphanet 110, MedGen C0752166, MONDO:0015229.

Submission:

Labcorp Genetics (formerly Invitae), Labcorp
Classification: Uncertain significance for Bardet-Biedl syndrome. Last evaluated: 2022-08-09. Review status: criteria provided, single submitter. Criteria: Invitae Variant Classification Sherloc (09022015). Collection method: clinical testing. Allele origin: germline.
Comment: This sequence change replaces isoleucine, which is neutral and non-polar, with valine, which is neutral and non-polar, at codon 342 of the BBS7 protein (p.Ile342Val). This variant is not present in population databases (gnomAD no frequency). This variant has not been reported in the literature in individuals affected with BBS7-related conditions. ClinVar contains an entry for this variant (Variation ID: 969792). Algorithms developed to predict the effect of missense changes on protein structure and function (SIFT, PolyPhen-2, Align-GVGD) all suggest that this variant is likely to be tolerated. In summary, the available evidence is currently insufficient to determine the role of this variant in disease. Therefore, it has been classified as a Variant of Uncertain Significance.